The following is an entry in ClinVar:

ClinVar aggregate classification (germline): Pathogenic. Review status: criteria provided, multiple submitters, no conflicts (2 of 4 stars). 3 submissions from 3 submitters: Pathogenic (3). Last evaluated 2025-12-03.

Conditions:
Hyperekplexia 3 (HKPX3). Also called: HYPEREKPLEXIA 3, AUTOSOMAL RECESSIVE; HYPEREKPLEXIA 3, AUTOSOMAL DOMINANT. Identifiers: Orphanet 3197, MedGen C3553288, MONDO:0013827, OMIM 614618.
SLC6A5-related disorder. Also called: SLC6A5-related condition.

Allele frequency attached by ClinVar (database versions not stated): gnomAD 0.00001; ExAC 0.00002; TOPMed 0.00003; ESP Exome Variant Server 0.00008.
gnomAD v4.1: 82 of 1,613,472 alleles (0.0051%); highest among the groups gnomAD compares: Non-Finnish European, 0.0064%; no homozygotes.

Submissions (3):

Labcorp Genetics (formerly Invitae), Labcorp
Classification: Pathogenic for Hyperekplexia 3. Last evaluated: 2025-12-03. Review status: criteria provided, single submitter. Criteria: Invitae Variant Classification Sherloc (09022015). Collection method: clinical testing. Allele origin: germline.
Comment: This sequence change creates a premature translational stop signal (p.Arg191*) in the SLC6A5 gene. It is expected to result in an absent or disrupted protein product. Loss-of-function variants in SLC6A5 are known to be pathogenic (PMID: 14622583, 16751771, 22700964). This variant is present in population databases (rs376783257, gnomAD 0.005%). This premature translational stop signal has been observed in individual(s) with hyperekplexia (PMID: 22700964). It has also been observed to segregate with disease in related individuals. ClinVar contains an entry for this variant (Variation ID: 579017). For these reasons, this variant has been classified as Pathogenic.

GeneDx
Classification: Pathogenic. Last evaluated: 2025-02-05. Review status: criteria provided, single submitter. Criteria: GeneDx Variant Classification Process June 2021. Collection method: clinical testing. Allele origin: germline. Affected: yes.
Comment: Nonsense variant predicted to result in protein truncation or nonsense mediated decay in a gene for which loss of function is a known mechanism of disease; This variant is associated with the following publications: (PMID: 22700964)

Blueprint Genetics
Classification: Pathogenic for SLC6A5-related disorders. Last evaluated: 2024-08-20. Review status: criteria provided, single submitter. Criteria: ACMG Guidelines, 2015. Collection method: clinical testing. Allele origin: germline. Affected: yes. Observed: 5 variant alleles.

Literature cited by the submitters: PubMed 14622583 (cited by Labcorp Genetics (formerly Invitae), Labcorp); PubMed 16751771 (cited by Labcorp Genetics (formerly Invitae), Labcorp); PubMed 22700964 (cited by Labcorp Genetics (formerly Invitae), Labcorp).

NM_004211.5(SLC6A5):c.571C>T (p.Arg191Ter)

Gene: SLC6A5 (solute carrier family 6 member 5; plus strand). Cytogenetic location: 11p15.1.
Variant type: single nucleotide variant.
Coding change: c.571C>T on transcript NM_004211.5 (MANE Select); coding-DNA position 571, C replaced by T.
Protein change: p.Arg191Ter; replaces arginine 191 with a stop codon.
Molecular consequence: nonsense. On other transcripts: intron variant (1).
Genome position (GRCh38, 1-based): chr11:20,604,316, C>T. VCF-style: chr11-20604316-C-T. GRCh37 (hg19) VCF-style: chr11-20625862-C-T.
Other names: c.-24+2651C>T (NM_001318369.2); short protein forms R191*.
Identifiers: ClinVar variation 579017 (VCV000579017.12), dbSNP rs376783257, ClinGen allele CA5921135.